The following is an entry in ClinVar:

NM_001001548.3(CD36):c.610-2A>G

Gene: CD36 (CD36 molecule (CD36 blood group); plus strand). Cytogenetic location: 7q21.11.
Variant type: single nucleotide variant.
Coding change: c.610-2A>G on transcript NM_001001548.3 (MANE Select); the canonical splice acceptor site of the intron before coding-DNA position 610, A replaced by G.
Molecular consequence: splice acceptor variant.
Genome position (GRCh38, 1-based): chr7:80,664,404, A>G. VCF-style: chr7-80664404-A-G. GRCh37 (hg19) VCF-style: chr7-80293720-A-G.
Other names: c.610-2A>G (NM_001371075.1, NM_001001547.3, NM_001371074.1 and 7 more transcripts); c.145-2A>G (NM_001371081.1, NM_001371080.1); c.382-2A>G (NM_001289911.2); c.508-2A>G (NM_001371079.1); c.430-2A>G (NM_001289909.1).
Identifiers: ClinVar variation 1324028 (VCV001324028.11), dbSNP rs745604189, ClinGen allele CA4315280.

ClinVar aggregate classification (germline): Conflicting classifications of pathogenicity. Review status: criteria provided, conflicting classifications (1 of 4 stars). 7 submissions from 7 submitters: Likely pathogenic (6); Uncertain significance (1). Last evaluated 2025-09-10.

Conditions:
Platelet-type bleeding disorder 10. Also called: CD36 DEFICIENCY. Identifiers: MedGen C1842090, MONDO:0012031, OMIM 608404.
Coronary heart disease, susceptibility to, 7. Identifiers: MedGen C1970441, MONDO:0012585, OMIM 610938.
Malaria, susceptibility to. Identifiers: Orphanet 673, MedGen C1970028, MONDO:0021024, OMIM 611162.
CD36-related disorder. Also called: CD36-related disorders; CD36-related condition.

Allele frequency attached by ClinVar (database versions not stated): gnomAD 0.00001; TOPMed 0.00001; gnomAD exomes 0.00002 and 0.00003; ExAC 0.00004.
gnomAD v4.1: 29 of 1,466,328 alleles (0.002%); highest among the groups gnomAD compares: Middle Eastern, 0.052%; no homozygotes.

Submissions (7):

Genomic Medicine Center of Excellence, King Faisal Specialist Hospital and Research Centre
Classification: Likely pathogenic for Platelet-type bleeding disorder 10. Last evaluated: 2025-09-10. Review status: criteria provided, single submitter. Criteria: ACMG Guidelines, 2015. Collection method: clinical testing. Allele origin: germline.

PreventionGenetics, part of Exact Sciences
Classification: Likely pathogenic for CD36-related condition. Last evaluated: 2025-06-16. Review status: criteria provided, single submitter. Criteria: ACMG Guidelines, 2015. Collection method: clinical testing. Allele origin: germline.
Comment: The CD36 c.610-2A>G variant is predicted to disrupt the AG splice acceptor site and interfere with normal splicing. To our knowledge, this variant has not been reported in the literature. This variant is reported in 0.023% of alleles in individuals of South Asian descent in gnomAD. Variants that disrupt the consensus splice acceptor site in CD36 are expected to be pathogenic. This variant is interpreted as likely pathogenic.

GeneDx
Classification: Uncertain significance. Last evaluated: 2024-01-05. Review status: criteria provided, single submitter. Criteria: GeneDx Variant Classification Process June 2021. Collection method: clinical testing. Allele origin: germline. Affected: yes.
Comment: Canonical splice site variant predicted to result in a null allele in a gene for which loss of function is a known mechanism of disease; Has not been previously published as pathogenic or benign to our knowledge

Department of Pathology and Laboratory Medicine, Sinai Health System
Classification: Likely pathogenic for Platelet-type bleeding disorder 10. Last evaluated: 2023-01-16. Review status: criteria provided, single submitter. Criteria: ACMG Guidelines, 2015. Collection method: research. Allele origin: germline.

Revvity Omics, Revvity
Classification: Likely pathogenic for Platelet-type bleeding disorder 10. Last evaluated: 2020-12-03. Review status: criteria provided, single submitter. Criteria: ACMG Guidelines, 2015. Collection method: clinical testing. Allele origin: germline.

Juno Genomics, Hangzhou Juno Genomics, Inc
Classification: Likely pathogenic for Coronary heart disease, susceptibility to, 7; Malaria, susceptibility to; Platelet-type bleeding disorder 10. Review status: criteria provided, single submitter. Criteria: ACMG Guidelines, 2015. Collection method: clinical testing. Allele origin: germline.
Comment: Absent from controls (or at extremely low frequency if recessive) in Genome Aggregation Database.;Null variant in a gene where loss of function (LOF) is a known mechanism of disease.

Neuberg Centre For Genomic Medicine, NCGM
Classification: Likely pathogenic for Platelet-type bleeding disorder 10. Review status: criteria provided, single submitter. Criteria: ACMG Guidelines, 2015. Collection method: clinical testing. Allele origin: germline. Inheritance: Autosomal recessive inheritance. Affected: yes.